The following is an entry in ClinVar:

ClinVar aggregate classification (germline): Conflicting classifications of pathogenicity. Review status: criteria provided, conflicting classifications (1 of 4 stars). 2 submissions from 2 submitters: Uncertain significance (1); Likely benign (1). Last evaluated 2026-02-03.

Conditions:
Neurodevelopmental disorder and structural brain anomalies with or without seizures and spasticity. Identifiers: MedGen C5394423, MONDO:0030046, OMIM 618890.

Submissions (2):

Labcorp Genetics (formerly Invitae), Labcorp
Classification: Likely benign. Last evaluated: 2026-02-03. Review status: criteria provided, single submitter. Criteria: Invitae Variant Classification Sherloc (09022015). Collection method: clinical testing. Allele origin: germline.

Servicio de Genética Del Instituto Nacional de Salud Del Niño, Ministerio de Salud
Classification: Uncertain significance for Neurodevelopmental disorder and structural brain anomalies with or without seizures and spasticity. Last evaluated: 2024-11-18. Review status: criteria provided, single submitter. Criteria: ACMG Guidelines, 2015. Collection method: clinical testing. Allele origin: germline. Inheritance: Autosomal recessive inheritance.
Comment: The variant NM_015466.4:c.4634_4635delinsTA (p.Pro1545Leu) involves a two-nucleotide deletion and insertion, resulting in a proline-to-leucine substitution at position 1545. This missense mutation may affect the protein's function, but the functional impact is not yet fully established. Based on ACMG/AMP guidelines, this variant meets the criteria for PM2 (frequency in population databases) and BP6 (lack of functional evidence), and is classified as a variant of uncertain significance

NM_015466.4(PTPN23):c.4634_4635delinsTA (p.Pro1545Leu)

Gene: PTPN23 (protein tyrosine phosphatase non-receptor type 23; plus strand). Cytogenetic location: 3p21.31.
Variant type: Indel.
Coding change: c.4634_4635delinsTA on transcript NM_015466.4 (MANE Select); coding-DNA positions 4634 to 4635, CG replaced by TA.
Protein change: p.Pro1545Leu; replaces proline 1545 with leucine.
Molecular consequence: missense variant.
Genome position (GRCh38, 1-based): chr3:47,412,908-47,412,909, CG replaced by TA. VCF-style: chr3-47412908-CG-TA. GRCh37 (hg19) VCF-style: chr3-47454398-CG-TA.
Other names: c.4256_4257delinsTA, p.Pro1419Leu (NM_001304482.2); short protein forms P1545L, P1419L.
Identifiers: ClinVar variation 1516108 (VCV001516108.8), dbSNP rs2107729801, ClinGen allele CA2573137073.